The following is an entry in ClinVar:

NM_001278116.2(L1CAM):c.863T>C (p.Val288Ala)

Gene: L1CAM (L1 cell adhesion molecule; minus strand). Cytogenetic location: Xq28.
Variant type: single nucleotide variant.
Coding change: c.863T>C on transcript NM_001278116.2 (MANE Select); coding-DNA position 863, T replaced by C.
Protein change: p.Val288Ala; replaces valine 288 with alanine.
Molecular consequence: missense variant.
Genome position (GRCh38, 1-based): chrX:153,870,184, A>G on the plus strand (T>C on the coding strand, the complement: L1CAM is on the minus strand). VCF-style: chrX-153870184-A-G. GRCh37 (hg19) VCF-style: chrX-153135639-A-G.
Other names: c.863T>C, p.Val288Ala (NM_000425.5, NM_024003.3); c.848T>C, p.Val283Ala (NM_001143963.2); c.863T>C (NM_000425.3); short protein forms V288A, V283A.
Identifiers: ClinVar variation 2077328 (VCV002077328.5), dbSNP rs2521017752, ClinGen allele CA415132326.

ClinVar aggregate classification (germline): Uncertain significance. Review status: criteria provided, multiple submitters, no conflicts (2 of 4 stars). 2 submissions from 2 submitters: Uncertain significance (2). Last evaluated 2023-11-29.

Conditions:
Spastic paraplegia. Identifiers: MedGen C0037772, HP:0001258.

Submissions (2):

GeneDx
Classification: Uncertain significance. Last evaluated: 2023-11-29. Review status: criteria provided, single submitter. Criteria: GeneDx Variant Classification Process June 2021. Collection method: clinical testing. Allele origin: germline. Affected: yes.
Comment: Not observed at significant frequency in large population cohorts (gnomAD); In silico analysis supports that this missense variant does not alter protein structure/function; Has not been previously published as pathogenic or benign to our knowledge; This variant is associated with the following publications: (PMID: 25641508)

Labcorp Genetics (formerly Invitae), Labcorp
Classification: Uncertain significance for Spastic paraplegia. Last evaluated: 2022-08-05. Review status: criteria provided, single submitter. Criteria: Invitae Variant Classification Sherloc (09022015). Collection method: clinical testing. Allele origin: germline.
Comment: Advanced modeling of protein sequence and biophysical properties (such as structural, functional, and spatial information, amino acid conservation, physicochemical variation, residue mobility, and thermodynamic stability) performed at Invitae indicates that this missense variant is not expected to disrupt L1CAM protein function. In summary, the available evidence is currently insufficient to determine the role of this variant in disease. Therefore, it has been classified as a Variant of Uncertain Significance. This variant has not been reported in the literature in individuals affected with L1CAM-related conditions. This variant is not present in population databases (gnomAD no frequency). This sequence change replaces valine, which is neutral and non-polar, with alanine, which is neutral and non-polar, at codon 288 of the L1CAM protein (p.Val288Ala).